The following is an entry in ClinVar:

NM_000051.4(ATM):c.2544G>C (p.Glu848Asp)

Gene: ATM (ATM serine/threonine kinase; plus strand). Cytogenetic location: 11q22.3.
Variant type: single nucleotide variant.
Coding change: c.2544G>C on transcript NM_000051.4 (MANE Select); coding-DNA position 2544, G replaced by C.
Protein change: p.Glu848Asp; replaces glutamic acid 848 with aspartic acid.
Molecular consequence: missense variant.
Genome position (GRCh38, 1-based): chr11:108,267,248, G>C. VCF-style: chr11-108267248-G-C. GRCh37 (hg19) VCF-style: chr11-108137975-G-C.
Other names: c.2544G>C, p.Glu848Asp (NM_001351834.2); short protein forms E848D.
Identifiers: ClinVar variation 407558 (VCV000407558.9), dbSNP rs1060501601, ClinGen allele CA16613027.
Genomic context (GRCh38, chr11:108,267,248, plus strand): 5'-GCCATTTGACCGTGGAGAAGTAGAATCAATGGAAGATGATACTAATGGAAATCTAATGGA[G>C]GTGGAGGATCAGTCATCCATGAATCTATTTAACGATTACCCTGATAGTAGTGTTAGTGAT-3'
Protein context (NP_000042.3, residues 838-858): MEDDTNGNLM[Glu848Asp]VEDQSSMNLF

ClinVar aggregate classification (germline): Uncertain significance (1 of 4 stars; one submission).

Conditions:
Ataxia-telangiectasia syndrome (AT). Also called: Ataxia telangiectasia (A-T); LOUIS-BAR SYNDROME; Cerebello-oculocutaneous telangiectasia; Immunodeficiency with ataxia telangiectasia; Ataxia-telangiectasia, complementation group D; AT, COMPLEMENTATION GROUP C. Identifiers: Orphanet 100, MedGen C0004135, MONDO:0008840, OMIM 208900.

Submission:

Labcorp Genetics (formerly Invitae), Labcorp
Classification: Uncertain significance for Ataxia-telangiectasia syndrome. Last evaluated: 2016-07-31. Review status: criteria provided, single submitter. Criteria: Invitae Variant Classification Sherloc (09022015). Collection method: clinical testing. Allele origin: germline.
Comment: This sequence change replaces glutamic acid with aspartic acid at codon 848 of the ATM protein (p.Glu848Asp). The glutamic acid residue is moderately conserved and there is a small physicochemical difference between glutamic acid and aspartic acid. This variant is not present in population databases (ExAC no frequency) and has not been reported in the literature in individuals with a ATM-related disease. Algorithms developed to predict the effect of missense changes on protein structure and function output the following: (SIFT: "Tolerated"; PolyPhen-2: "Benign"; Align-GVGD: "Class C0"). The aspartic acid amino acid residue is also found in multiple mammalian species, suggesting that this missense change does not adversely affect protein function. These predictions have not been confirmed by published functional studies. In summary, this variant is a novel missense change that is not predicted to affect protein function. There is no indication that it causes disease, but the available evidence is currently insufficient to prove that conclusively. Therefore, it has been classified as a Variant of Uncertain Significance.